The following is an entry in ClinVar:

ClinVar aggregate classification (germline): Uncertain significance (1 of 4 stars; one submission).

Conditions:
Neurodegeneration with brain iron accumulation 5 (NBIA5). Also called: STATIC ENCEPHALOPATHY OF CHILDHOOD WITH NEURODEGENERATION IN ADULTHOOD; Beta-propeller protein-associated neurodegeneration. Identifiers: Orphanet 329284, MedGen C3550973, MONDO:0010476, OMIM 300894.

Submission:

Labcorp Genetics (formerly Invitae), Labcorp
Classification: Uncertain significance for Neurodegeneration with brain iron accumulation 5. Last evaluated: 2025-11-24. Review status: criteria provided, single submitter. Criteria: Invitae Variant Classification Sherloc (09022015). Collection method: clinical testing. Allele origin: germline.
Comment: This sequence change replaces arginine, which is basic and polar, with leucine, which is neutral and non-polar, at codon 87 of the WDR45 protein (p.Arg87Leu). This variant is not present in population databases (gnomAD no frequency). This missense change has been observed in individual(s) with clinical features of WDR45-related conditions (internal data). Invitae Evidence Modeling of protein sequence and biophysical properties (such as structural, functional, and spatial information, amino acid conservation, physicochemical variation, residue mobility, and thermodynamic stability) has been performed for this missense variant. However, the output from this modeling did not meet the statistical confidence thresholds required to predict the impact of this variant on WDR45 protein function. In summary, the available evidence is currently insufficient to determine the role of this variant in disease. Therefore, it has been classified as a Variant of Uncertain Significance.

NM_001029896.2(WDR45):c.257G>T (p.Arg86Leu)

Gene: WDR45 (WD repeat domain 45; minus strand). Cytogenetic location: Xp11.23.
Variant type: single nucleotide variant.
Coding change: c.257G>T on transcript NM_001029896.2 (MANE Select); coding-DNA position 257, G replaced by T.
Protein change: p.Arg86Leu; replaces arginine 86 with leucine.
Molecular consequence: missense variant.
Genome position (GRCh38, 1-based): chrX:49,076,729, C>A on the plus strand (G>T on the coding strand, the complement: WDR45 is on the minus strand). VCF-style: chrX-49076729-C-A. GRCh37 (hg19) VCF-style: chrX-48934388-C-A.
Other names: c.260G>T, p.Arg87Leu (NM_007075.4); short protein forms R86L, R87L.
Identifiers: ClinVar variation 4801008 (VCV004801008.1).